The following is an entry in ClinVar:

ClinVar aggregate classification (germline): Pathogenic (1 of 4 stars; one submission).

Conditions:
Medium-chain acyl-coenzyme A dehydrogenase deficiency (ACADMD). Also called: CARNITINE DEFICIENCY SECONDARY TO MEDIUM-CHAIN ACYL-CoA DEHYDROGENASE DEFICIENCY; MCADH DEFICIENCY; Medium chain acyl-CoA dehydrogenase deficiency; MCADD; ACADM DEFICIENCY; MCAD Deficiency. Identifiers: Orphanet 42, MedGen C0220710, MONDO:0008721, OMIM 201450.

Submission:

Myriad Genetics, Inc.
Classification: Pathogenic for Medium-chain acyl-coenzyme A dehydrogenase deficiency. Last evaluated: 2026-09-02. Review status: criteria provided, single submitter. Criteria: Myriad Autosomal Dominant, Autosomal Recessive and X-Linked Classification Criteria (2023). Collection method: clinical testing. Allele origin: unknown.
Comment: NM_000016.4(ACADM):c.1219C>T(Q407*) is a nonsense variant classified as pathogenic in the context of medium-chain acyl-CoA dehydrogenase deficiency. Q407* has not been observed in cases with relevant disease. Relevant functional assessments of this variant are not available in the literature. Q407* has not been observed in referenced population frequency databases. In summary, NM_000016.4(ACADM):c.1219C>T(Q407*) is a nonsense variant in a gene where loss of function is a known mechanism of disease and is predicted to disrupt protein function. Please note: this variant was assessed in the context of healthy population screening.

NM_000016.6(ACADM):c.1219C>T (p.Gln407Ter)

Gene: ACADM (acyl-CoA dehydrogenase medium chain; plus strand). Cytogenetic location: 1p31.1.
Variant type: single nucleotide variant.
Coding change: c.1219C>T on transcript NM_000016.6 (MANE Select); coding-DNA position 1219, C replaced by T.
Protein change: p.Gln407Ter; replaces glutamine 407 with a stop codon.
Molecular consequence: nonsense.
Genome position (GRCh38, 1-based): chr1:75,762,716, C>T. VCF-style: chr1-75762716-C-T. GRCh37 (hg19) VCF-style: chr1-76228401-C-T.
Other names: c.1231C>T, p.Gln411Ter (NM_001127328.3); c.1111C>T, p.Gln371Ter (NM_001286042.2); c.1318C>T, p.Gln440Ter (NM_001286043.2); c.652C>T, p.Gln218Ter (NM_001286044.2); short protein forms Q371*, Q440*, Q218*, Q411*, Q407*.
Identifiers: ClinVar variation 5004901 (VCV005004901.1).